The following is an entry in ClinVar:

NM_021961.6(TEAD1):c.534G>C (p.Gln178His)

Gene: TEAD1 (TEA domain transcription factor 1; plus strand). Cytogenetic location: 11p15.3.
Variant type: single nucleotide variant.
Coding change: c.534G>C on transcript NM_021961.6 (MANE Select); coding-DNA position 534, G replaced by C.
Protein change: p.Gln178His; replaces glutamine 178 with histidine.
Molecular consequence: missense variant.
Genome position (GRCh38, 1-based): chr11:12,881,917, G>C. VCF-style: chr11-12881917-G-C. GRCh37 (hg19) VCF-style: chr11-12903464-G-C.
Other names: short protein forms Q178H.
Identifiers: ClinVar variation 4747558 (VCV004747558.2).

ClinVar aggregate classification (germline): Uncertain significance. Review status: criteria provided, multiple submitters, no conflicts (2 of 4 stars). 2 submissions from 2 submitters: Uncertain significance (2). Last evaluated 2025-12-28.

gnomAD v4.1: 1 of 1,614,198 alleles (0.000062%); highest among the groups gnomAD compares: African/African-American, 0.0013%; no homozygotes.

Submissions (2):

Labcorp Genetics (formerly Invitae), Labcorp
Classification: Uncertain significance. Last evaluated: 2025-12-28. Review status: criteria provided, single submitter. Criteria: Invitae Variant Classification Sherloc (09022015). Collection method: clinical testing. Allele origin: germline.
Comment: This sequence change replaces glutamine, which is neutral and polar, with histidine, which is basic and polar, at codon 178 of the TEAD1 protein (p.Gln178His). This variant is present in population databases (rs774651406, gnomAD 0.007%). This variant has not been reported in the literature in individuals affected with TEAD1-related conditions. Invitae Evidence Modeling of protein sequence and biophysical properties (such as structural, functional, and spatial information, amino acid conservation, physicochemical variation, residue mobility, and thermodynamic stability) indicates that this missense variant is not expected to disrupt TEAD1 protein function with a negative predictive value of 80%. In summary, the available evidence is currently insufficient to determine the role of this variant in disease. Therefore, it has been classified as a Variant of Uncertain Significance.

Blueprint Genetics
Classification: Uncertain significance. Last evaluated: 2022-11-10. Review status: criteria provided, single submitter. Criteria: ACMG Guidelines, 2015. Collection method: clinical testing. Allele origin: germline.